The following is an entry in ClinVar:

ClinVar aggregate classification (germline): Uncertain significance. Review status: criteria provided, multiple submitters, no conflicts (2 of 4 stars). 3 submissions from 3 submitters: Uncertain significance (3). Last evaluated 2026-01-26.

Conditions:
Episodic kinesigenic dyskinesia (EKD). Also called: Paroxysmal kinesigenic dyskinesia. Identifiers: Orphanet 98809, MedGen C1868682, MONDO:0044202.

Allele frequency attached by ClinVar (database versions not stated): gnomAD exomes below 0.00001 and 0.00001; gnomAD 0.00001; TOPMed 0.00001.
gnomAD v4.1: 13 of 1,613,924 alleles (0.00081%); highest among the groups gnomAD compares: Middle Eastern, 0.033%; no homozygotes.

Submissions (3):

Labcorp Genetics (formerly Invitae), Labcorp
Classification: Uncertain significance for Episodic kinesigenic dyskinesia. Last evaluated: 2026-01-26. Review status: criteria provided, single submitter. Criteria: Invitae Variant Classification Sherloc (09022015). Collection method: clinical testing. Allele origin: germline.
Comment: This sequence change replaces glutamic acid, which is acidic and polar, with lysine, which is basic and polar, at codon 29 of the PRRT2 protein (p.Glu29Lys). This variant is not present in population databases (gnomAD no frequency). This variant has not been reported in the literature in individuals affected with PRRT2-related conditions. ClinVar contains an entry for this variant (Variation ID: 449702). Invitae Evidence Modeling of protein sequence and biophysical properties (such as structural, functional, and spatial information, amino acid conservation, physicochemical variation, residue mobility, and thermodynamic stability) indicates that this missense variant is not expected to disrupt PRRT2 protein function with a negative predictive value of 95%. In summary, the available evidence is currently insufficient to determine the role of this variant in disease. Therefore, it has been classified as a Variant of Uncertain Significance.

Blueprint Genetics
Classification: Uncertain significance. Last evaluated: 2019-06-07. Review status: criteria provided, single submitter. Criteria: ACMG Guidelines, 2015. Collection method: clinical testing. Allele origin: germline.

GeneDx
Classification: Uncertain significance. Last evaluated: 2017-08-28. Review status: criteria provided, single submitter. Criteria: GeneDx Variant Classification (06012015). Collection method: clinical testing. Allele origin: germline. Affected: yes.
Comment: A variant of uncertain significance has been identified in the PRRT2 gene. The E29K variant has not been published as a pathogenic variant, nor has it been reported as a benign variant to our knowledge. It was not observed in approximately 6,500 individuals of European and African American ancestry in the NHLBI Exome Sequencing Project, indicating it is not a common benign variant in these populations. The E29K variant is a non-conservative amino acid substitution, which is likely to impact secondary protein structure as these residues differ in polarity, charge, size and/or other properties. However, this substitution occurs at a position that is not conserved, and in silico analysis is inconsistent in its predictions as to whether or not the variant is damaging to the protein structure/function. Therefore, based on the currently available information, it is unclear whether this variant is a pathogenic variant or a rare benign variant.

NM_145239.3(PRRT2):c.85G>A (p.Glu29Lys)

Genes: MVP-DT (MVP divergent transcript; minus strand), PRRT2 (proline rich transmembrane protein 2; plus strand). Cytogenetic location: 16p11.2.
Variant type: single nucleotide variant.
Coding change: c.85G>A on transcript NM_145239.3 (MANE Select); coding-DNA position 85, G replaced by A.
Protein change: p.Glu29Lys; replaces glutamic acid 29 with lysine.
Molecular consequence: missense variant.
Genome position (GRCh38, 1-based): chr16:29,813,139, G>A. VCF-style: chr16-29813139-G-A. GRCh37 (hg19) VCF-style: chr16-29824460-G-A.
Other names: c.85G>A, p.Glu29Lys (NM_001256442.2, NM_001256443.2); short protein forms E29K.
Identifiers: ClinVar variation 449702 (VCV000449702.12), dbSNP rs1555502574, ClinGen allele CA395477211.
Genomic context (GRCh38, chr16:29,813,139, plus strand): 5'-TCTGAGATGAAGGGGGTTGAGGAGAGTCCCAAGGTTCCAGGCGAAGGGCCTGGCCATTCT[G>A]AAGCTGAAACTGGCCCTCCCCAGGTCCTAGCAGGGGTACCAGACCAGCCAGAGGCCCCGC-3'
Protein context (NP_660282.2, residues 19-39): KVPGEGPGHS[Glu29Lys]AETGPPQVLA